The following is an entry in ClinVar:

NM_000179.3(MSH6):c.3521T>G (p.Phe1174Cys)

Gene: MSH6 (mutS homolog 6; plus strand). Cytogenetic location: 2p16.3.
Variant type: single nucleotide variant.
Coding change: c.3521T>G on transcript NM_000179.3 (MANE Select); coding-DNA position 3521, T replaced by G.
Protein change: p.Phe1174Cys; replaces phenylalanine 1174 with cysteine.
Molecular consequence: missense variant.
Genome position (GRCh38, 1-based): chr2:47,804,992, T>G. VCF-style: chr2-47804992-T-G. GRCh37 (hg19) VCF-style: chr2-48032131-T-G.
Other names: c.3131T>G, p.Phe1044Cys (NM_001281492.2); c.2615T>G, p.Phe872Cys (NM_001281493.2, NM_001281494.2); short protein forms F872C, F1044C, F1174C.
Identifiers: ClinVar variation 1510838 (VCV001510838.16), dbSNP rs1669876634, ClinGen allele CA346760212.

ClinVar aggregate classification (germline): Uncertain significance. Review status: criteria provided, multiple submitters, no conflicts (2 of 4 stars). 5 submissions from 5 submitters: Uncertain significance (5). Last evaluated 2026-01-10.

Conditions:
Hereditary nonpolyposis colorectal neoplasms. Identifiers: MedGen C0009405, MeSH D003123.
Hereditary cancer-predisposing syndrome. Also called: Neoplastic Syndromes, Hereditary; Hereditary neoplastic syndrome; Tumor predisposition; Hereditary Cancer Syndrome. Identifiers: Orphanet 140162, MedGen C0027672, MeSH D009386, MONDO:0015356.
Lynch syndrome. Identifiers: Orphanet 144, MedGen C4552100, MONDO:0005835. Disease mechanism: loss of function.
Endometrial carcinoma. Also called: Endometrial carcinoma, somatic. Identifiers: MedGen C0476089, MONDO:0002447, OMIM 608089, HP:0012114.

Submissions (5):

Labcorp Genetics (formerly Invitae), Labcorp
Classification: Uncertain significance for Hereditary nonpolyposis colorectal neoplasms. Last evaluated: 2026-01-10. Review status: criteria provided, single submitter. Criteria: Invitae Variant Classification Sherloc (09022015). Collection method: clinical testing. Allele origin: germline.
Comment: This sequence change replaces phenylalanine, which is neutral and non-polar, with cysteine, which is neutral and slightly polar, at codon 1174 of the MSH6 protein (p.Phe1174Cys). This variant is not present in population databases (gnomAD no frequency). This variant has not been reported in the literature in individuals affected with MSH6-related conditions. ClinVar contains an entry for this variant (Variation ID: 1510838). Invitae Evidence Modeling of protein sequence and biophysical properties (such as structural, functional, and spatial information, amino acid conservation, physicochemical variation, residue mobility, and thermodynamic stability) indicates that this missense variant is expected to disrupt MSH6 protein function with a positive predictive value of 95%. In summary, the available evidence is currently insufficient to determine the role of this variant in disease. Therefore, it has been classified as a Variant of Uncertain Significance.

Dasa
Classification: Uncertain significance. Last evaluated: 2025-11-27. Review status: criteria provided, single submitter. Criteria: DASA Assertion Criteria. Collection method: clinical testing. Allele origin: germline.
Comment: NM_000179.3(MSH6):c.3521T>G (p.Phe1174Cys) is a missense variant that results in the substitution of phenylalanine with cysteine. This variant is absent from population databases. Computational prediction algorithms are consistent with a deleterious effect. The currently available literature and clinical evidence are not sufficient to establish a definitive association between this variant and the reported condition. Therefore, this variant is classified as a variant of uncertain significance.

Ambry Genetics
Classification: Uncertain significance for Hereditary cancer-predisposing syndrome. Last evaluated: 2025-10-07. Review status: criteria provided, single submitter. Criteria: Ambry Variant Classification Scheme 2023. Collection method: clinical testing. Allele origin: germline.
Comment: The p.F1174C variant (also known as c.3521T>G), located in coding exon 6 of the MSH6 gene, results from a T to G substitution at nucleotide position 3521. The phenylalanine at codon 1174 is replaced by cysteine, an amino acid with highly dissimilar properties. This amino acid position is highly conserved in available vertebrate species. In addition, this alteration is predicted to be deleterious by in silico analysis. Since supporting evidence is limited at this time, the clinical significance of this alteration remains unclear.

Baylor Genetics
Classification: Uncertain significance for Endometrial carcinoma. Last evaluated: 2023-05-11. Review status: criteria provided, single submitter. Criteria: ACMG Guidelines, 2015. Collection method: clinical testing. Allele origin: unknown.

All of Us Research Program, National Institutes of Health
Classification: Uncertain significance for Lynch syndrome. Last evaluated: 2023-05-08. Review status: criteria provided, single submitter. Criteria: ACMG Guidelines, 2015. Collection method: clinical testing. Allele origin: germline. Inheritance: Autosomal dominant inheritance. Observed: 2 variant alleles, 2 heterozygotes.
Comment: This study involves interpretation of variants in research participants for the purpose of population health screening. Participant phenotype was not available at the time of variant classification. Additional details can be found in publication PMID: 35346344, PMCID: PMC8962531